The following is an entry in ClinVar:

ClinVar aggregate classification (germline): Uncertain significance (1 of 4 stars; one submission).

Allele frequency attached by ClinVar (database versions not stated): TOPMed below 0.00001.
gnomAD v4.1: 2 of 1,610,192 alleles (0.00012%); highest among the groups gnomAD compares: Non-Finnish European, 0.00017%; no homozygotes.

Submission:

Labcorp Genetics (formerly Invitae), Labcorp
Classification: Uncertain significance. Last evaluated: 2022-04-24. Review status: criteria provided, single submitter. Criteria: Invitae Variant Classification Sherloc (09022015). Collection method: clinical testing. Allele origin: germline.
Comment: In summary, the available evidence is currently insufficient to determine the role of this variant in disease. Therefore, it has been classified as a Variant of Uncertain Significance. This variant is not present in population databases (gnomAD no frequency). This variant has not been reported in the literature in individuals affected with ATF6-related conditions. Algorithms developed to predict the effect of sequence changes on RNA splicing suggest that this variant is not likely to affect RNA splicing. This sequence change affects codon 440 of the ATF6 mRNA. It is a 'silent' change, meaning that it does not change the encoded amino acid sequence of the ATF6 protein. It affects a nucleotide within the consensus splice site.

NM_007348.4(ATF6):c.1320A>G (p.Arg440=)

Gene: ATF6 (activating transcription factor 6; plus strand). Cytogenetic location: 1q23.3.
Variant type: single nucleotide variant.
Coding change: c.1320A>G on transcript NM_007348.4 (MANE Select); coding-DNA position 1320, A replaced by G.
Protein change: p.Arg440=; no amino-acid change (arginine 440 retained).
Molecular consequence: synonymous variant.
Genome position (GRCh38, 1-based): chr1:161,851,722, A>G. VCF-style: chr1-161851722-A-G. GRCh37 (hg19) VCF-style: chr1-161821512-A-G.
Other names: c.1320A>G, p.Arg440= (NM_001410890.1).
Identifiers: ClinVar variation 2109091 (VCV002109091.4), dbSNP rs1686635996, ClinGen allele CA421433766.